The following is an entry in ClinVar:

NM_001367624.2(ZNF469):c.5073C>G (p.Asn1691Lys)

Gene: ZNF469 (zinc finger protein 469; plus strand). Cytogenetic location: 16q24.2.
Variant type: single nucleotide variant.
Coding change: c.5073C>G on transcript NM_001367624.2 (MANE Select); coding-DNA position 5073, C replaced by G.
Protein change: p.Asn1691Lys; replaces asparagine 1691 with lysine.
Molecular consequence: missense variant.
Genome position (GRCh38, 1-based): chr16:88,432,543, C>G. VCF-style: chr16-88432543-C-G. GRCh37 (hg19) VCF-style: chr16-88498951-C-G.
Other names: short protein forms N1691K.
Identifiers: ClinVar variation 1003617 (VCV001003617.8), dbSNP rs752800323, ClinGen allele CA397095177.

ClinVar aggregate classification (germline): Uncertain significance (1 of 4 stars; one submission).

gnomAD v4.1: 2 of 1,550,408 alleles (0.00013%); highest among the groups gnomAD compares: Non-Finnish European, 0.00017%; no homozygotes.

Submission:

Labcorp Genetics (formerly Invitae), Labcorp
Classification: Uncertain significance. Last evaluated: 2022-07-27. Review status: criteria provided, single submitter. Criteria: Invitae Variant Classification Sherloc (09022015). Collection method: clinical testing. Allele origin: germline.
Comment: This sequence change replaces asparagine, which is neutral and polar, with lysine, which is basic and polar, at codon 1663 of the ZNF469 protein (p.Asn1663Lys). This variant is not present in population databases (gnomAD no frequency). This missense change has been observed in individual(s) with clinical features of brittle cornea syndrome (Invitae). ClinVar contains an entry for this variant (Variation ID: 1003617). Algorithms developed to predict the effect of missense changes on protein structure and function (SIFT, PolyPhen-2, Align-GVGD) all suggest that this variant is likely to be tolerated. In summary, the available evidence is currently insufficient to determine the role of this variant in disease. Therefore, it has been classified as a Variant of Uncertain Significance.